The following is an entry in ClinVar:

ClinVar aggregate classification (germline): Uncertain significance. Review status: criteria provided, multiple submitters, no conflicts (2 of 4 stars). 3 submissions from 3 submitters: Uncertain significance (3). Last evaluated 2024-10-25.

Conditions:
Malignant hyperthermia, susceptibility to, 1 (MHS1). Also called: Malignant hyperthermia suceptibility 1; Anesthesia related hyperthermia; Malignant hyperpyrexia; Fulminating hyperpyrexia; Pharmacogenic myopathy; RYR1-Related Malignant Hyperthermia Susceptibility. Identifiers: Orphanet 423, MedGen C2930980, MONDO:0007783, OMIM 145600.
RYR1-related disorder. Also called: RYR1-related condition; RYR1-related disorders. Identifiers: MedGen CN239331.

Allele frequency attached by ClinVar (database versions not stated): gnomAD exomes below 0.00001.
gnomAD v4.1: 1 of 1,614,114 alleles (0.000062%); highest among the groups gnomAD compares: Non-Finnish European, 0.000085%; no homozygotes.

Submissions (3):

Labcorp Genetics (formerly Invitae), Labcorp
Classification: Uncertain significance for RYR1-related disorder. Last evaluated: 2024-10-25. Review status: criteria provided, single submitter. Criteria: Invitae Variant Classification Sherloc (09022015). Collection method: clinical testing. Allele origin: germline.
Comment: This sequence change replaces glycine, which is neutral and non-polar, with glutamic acid, which is acidic and polar, at codon 1516 of the RYR1 protein (p.Gly1516Glu). This variant is not present in population databases (gnomAD no frequency). This variant has not been reported in the literature in individuals affected with RYR1-related conditions. Invitae Evidence Modeling of protein sequence and biophysical properties (such as structural, functional, and spatial information, amino acid conservation, physicochemical variation, residue mobility, and thermodynamic stability) indicates that this missense variant is expected to disrupt RYR1 protein function with a positive predictive value of 80%. In summary, the available evidence is currently insufficient to determine the role of this variant in disease. Therefore, it has been classified as a Variant of Uncertain Significance.

All of Us Research Program, National Institutes of Health
Classification: Uncertain significance for Malignant hyperthermia, susceptibility to, 1. Last evaluated: 2023-11-20. Review status: criteria provided, single submitter. Criteria: ACMG Guidelines, 2015. Collection method: clinical testing. Allele origin: germline. Inheritance: Autosomal dominant inheritance. Observed: 1 variant allele, 1 heterozygote.
Comment: This missense variant replaces glycine with glutamic acid at codon 1516 of the RYR1 protein. Computational prediction suggests that this variant may have deleterious impact on protein structure and function (internally defined REVEL score threshold >= 0.7, PMID: 27666373). To our knowledge, functional studies have not been reported for this variant. This variant has not been reported in individuals affected with RYR1-related disorders in the literature. This variant has not been identified in the general population by the Genome Aggregation Database (gnomAD). The available evidence is insufficient to determine the role of this variant in disease conclusively. Therefore, this variant is classified as a Variant of Uncertain Significance.

This study involves interpretation of variants in research participants for the purpose of population health screening. Participant phenotype was not available at the time of variant classification. Additional details can be found in publication PMID: 35346344, PMCID: PMC8962531

Color Diagnostics, LLC DBA Color Health
Classification: Uncertain significance for Malignant hyperthermia, susceptibility to, 1. Last evaluated: 2023-10-25. Review status: criteria provided, single submitter. Criteria: ACMG Guidelines, 2015. Collection method: clinical testing. Allele origin: germline.
Comment: This missense variant replaces glycine with glutamic acid at codon 1516 of the RYR1 protein. Computational prediction suggests that this variant may have deleterious impact on protein structure and function. To our knowledge, functional studies have not been reported for this variant. This variant has not been reported in individuals affected with RYR1-related disorders in the literature. This variant has not been identified in the general population by the Genome Aggregation Database (gnomAD). The available evidence is insufficient to determine the role of this variant in disease conclusively. Therefore, this variant is classified as a Variant of Uncertain Significance.

NM_000540.3(RYR1):c.4547G>A (p.Gly1516Glu)

Gene: RYR1 (ryanodine receptor 1; plus strand). Cytogenetic location: 19q13.2.
Variant type: single nucleotide variant.
Coding change: c.4547G>A on transcript NM_000540.3 (MANE Select); coding-DNA position 4547, G replaced by A.
Protein change: p.Gly1516Glu; replaces glycine 1516 with glutamic acid.
Molecular consequence: missense variant.
Genome position (GRCh38, 1-based): chr19:38,478,527, G>A. VCF-style: chr19-38478527-G-A. GRCh37 (hg19) VCF-style: chr19-38969167-G-A.
Other names: c.4547G>A, p.Gly1516Glu (NM_001042723.2); short protein forms G1516E.
Identifiers: ClinVar variation 2905273 (VCV002905273.5), dbSNP rs2514185048, ClinGen allele CA405647583.